The following is an entry in ClinVar:

NM_001109809.5(ZFP57):c.1101G>C (p.Gln367His)

Gene: ZFP57 (ZFP57 zinc finger protein; minus strand). Cytogenetic location: 6p22.1.
Variant type: single nucleotide variant.
Coding change: c.1101G>C on transcript NM_001109809.5 (MANE Select); coding-DNA position 1101, G replaced by C.
Protein change: p.Gln367His; replaces glutamine 367 with histidine.
Molecular consequence: missense variant.
Genome position (GRCh38, 1-based): chr6:29,673,010, C>G on the plus strand (G>C on the coding strand, the complement: ZFP57 is on the minus strand). VCF-style: chr6-29673010-C-G. GRCh37 (hg19) VCF-style: chr6-29640787-C-G.
Other names: c.885G>C, p.Gln295His (NM_001366333.2); short protein forms Q295H, Q367H.
Identifiers: ClinVar variation 4205367 (VCV004205367.2).

ClinVar aggregate classification (germline): Uncertain significance. Review status: criteria provided, multiple submitters, no conflicts (2 of 4 stars). 2 submissions from 2 submitters: Uncertain significance (2). Last evaluated 2025-08-30.

Conditions:
Inborn genetic diseases. Identifiers: MedGen C0950123, MeSH D030342.

gnomAD v4.1: 65 of 1,612,916 alleles (0.004%); highest among the groups gnomAD compares: Middle Eastern, 0.016%; no homozygotes.

Submissions (2):

Labcorp Genetics (formerly Invitae), Labcorp
Classification: Uncertain significance. Last evaluated: 2025-08-30. Review status: criteria provided, single submitter. Criteria: Invitae Variant Classification Sherloc (09022015). Collection method: clinical testing. Allele origin: germline.
Comment: This sequence change replaces glutamine, which is neutral and polar, with histidine, which is basic and polar, at codon 367 of the ZFP57 protein (p.Gln367His). This variant is present in population databases (rs202183128, gnomAD 0.01%). This variant has not been reported in the literature in individuals affected with ZFP57-related conditions. An algorithm developed to predict the effect of missense changes on protein structure and function (PolyPhen-2) suggests that this variant is likely to be disruptive. In summary, the available evidence is currently insufficient to determine the role of this variant in disease. Therefore, it has been classified as a Variant of Uncertain Significance.

Ambry Genetics
Classification: Uncertain significance for Inborn genetic diseases. Last evaluated: 2025-08-22. Review status: criteria provided, single submitter. Criteria: Ambry Variant Classification Scheme 2023. Collection method: clinical testing. Allele origin: germline.